The following is an entry in ClinVar:

NM_000553.6(WRN):c.609T>G (p.Phe203Leu)

Gene: WRN (WRN RecQ like helicase; plus strand). Cytogenetic location: 8p12.
Variant type: single nucleotide variant.
Coding change: c.609T>G on transcript NM_000553.6 (MANE Select); coding-DNA position 609, T replaced by G.
Protein change: p.Phe203Leu; replaces phenylalanine 203 with leucine.
Molecular consequence: missense variant.
Genome position (GRCh38, 1-based): chr8:31,067,137, T>G. VCF-style: chr8-31067137-T-G. GRCh37 (hg19) VCF-style: chr8-30924653-T-G.
Other names: short protein forms F203L.
Identifiers: ClinVar variation 1916791 (VCV001916791.2), dbSNP rs1812739240, ClinGen allele CA370916263.

ClinVar aggregate classification (germline): Uncertain significance (1 of 4 stars; one submission).

Conditions:
Werner syndrome (WRN). Identifiers: Orphanet 902, MedGen C0043119, MONDO:0010196, OMIM 277700.

Allele frequency attached by ClinVar (database versions not stated): gnomAD exomes below 0.00001.
gnomAD v4.1: 2 of 1,613,966 alleles (0.00012%); highest among the groups gnomAD compares: Non-Finnish European, 0.00017%; no homozygotes.

Submission:

Labcorp Genetics (formerly Invitae), Labcorp
Classification: Uncertain significance for Werner syndrome. Last evaluated: 2022-03-06. Review status: criteria provided, single submitter. Criteria: Invitae Variant Classification Sherloc (09022015). Collection method: clinical testing. Allele origin: germline.
Comment: This sequence change replaces phenylalanine, which is neutral and non-polar, with leucine, which is neutral and non-polar, at codon 203 of the WRN protein (p.Phe203Leu). This variant is not present in population databases (gnomAD no frequency). This variant has not been reported in the literature in individuals affected with WRN-related conditions. Algorithms developed to predict the effect of missense changes on protein structure and function are either unavailable or do not agree on the potential impact of this missense change (SIFT: "Not Available"; PolyPhen-2: "Possibly Damaging"; Align-GVGD: "Not Available"). In summary, the available evidence is currently insufficient to determine the role of this variant in disease. Therefore, it has been classified as a Variant of Uncertain Significance.